The following is an entry in ClinVar:

NM_001852.4(COL9A2):c.1954C>A (p.Pro652Thr)

Gene: COL9A2 (collagen type IX alpha 2 chain; minus strand). Cytogenetic location: 1p34.2.
Variant type: single nucleotide variant.
Coding change: c.1954C>A on transcript NM_001852.4 (MANE Select); coding-DNA position 1954, C replaced by A.
Protein change: p.Pro652Thr; replaces proline 652 with threonine.
Molecular consequence: missense variant.
Genome position (GRCh38, 1-based): chr1:40,301,298, G>T on the plus strand (C>A on the coding strand, the complement: COL9A2 is on the minus strand). VCF-style: chr1-40301298-G-T. GRCh37 (hg19) VCF-style: chr1-40766970-G-T.
Other names: short protein forms P652T.
Identifiers: ClinVar variation 1488739 (VCV001488739.6), dbSNP rs2124031685, ClinGen allele CA339874055.

ClinVar aggregate classification (germline): Uncertain significance (1 of 4 stars; one submission).

Submission:

Labcorp Genetics (formerly Invitae), Labcorp
Classification: Uncertain significance. Last evaluated: 2022-06-13. Review status: criteria provided, single submitter. Criteria: Invitae Variant Classification Sherloc (09022015). Collection method: clinical testing. Allele origin: germline.
Comment: This sequence change replaces proline, which is neutral and non-polar, with threonine, which is neutral and polar, at codon 652 of the COL9A2 protein (p.Pro652Thr). This variant is not present in population databases (gnomAD no frequency). This variant has not been reported in the literature in individuals affected with COL9A2-related conditions. Advanced modeling of protein sequence and biophysical properties (such as structural, functional, and spatial information, amino acid conservation, physicochemical variation, residue mobility, and thermodynamic stability) performed at Invitae indicates that this missense variant is not expected to disrupt COL9A2 protein function. In summary, the available evidence is currently insufficient to determine the role of this variant in disease. Therefore, it has been classified as a Variant of Uncertain Significance.